The following is an entry in ClinVar:

ClinVar aggregate classification (germline): Pathogenic (1 of 4 stars; one submission).

Submission:

Labcorp Genetics (formerly Invitae), Labcorp
Classification: Pathogenic. Last evaluated: 2021-09-18. Review status: criteria provided, single submitter. Criteria: Invitae Variant Classification Sherloc (09022015). Collection method: clinical testing. Allele origin: germline.
Comment: This sequence change creates a premature translational stop signal (p.Gln953*) in the ERCC6 gene. It is expected to result in an absent or disrupted protein product. Loss-of-function variants in ERCC6 are known to be pathogenic (PMID: 18628313, 29572252). This variant is not present in population databases (ExAC no frequency). This variant has not been reported in the literature in individuals affected with ERCC6-related conditions. For these reasons, this variant has been classified as Pathogenic.

Literature cited by the submitters: PubMed 18628313; PubMed 29572252.

NM_000124.4(ERCC6):c.2857C>T (p.Gln953Ter)

Genes: ERCC6 (ERCC excision repair 6, chromatin remodeling factor; minus strand), LOC126860933 (BRD4-independent group 4 enhancer GRCh37_chr10:50679962-50681161; plus strand). Cytogenetic location: 10q11.23.
Variant type: single nucleotide variant.
Coding change: c.2857C>T on transcript NM_000124.4 (MANE Select); coding-DNA position 2857, C replaced by T.
Protein change: p.Gln953Ter; replaces glutamine 953 with a stop codon.
Molecular consequence: nonsense.
Genome position (GRCh38, 1-based): chr10:49,472,443, G>A on the plus strand (C>T on the coding strand, the complement: ERCC6 is on the minus strand). VCF-style: chr10-49472443-G-A. GRCh37 (hg19) VCF-style: chr10-50680489-G-A.
Other names: c.2857C>T, p.Gln953Ter (NM_001346440.2); short protein forms Q953*.
Identifiers: ClinVar variation 1403796 (VCV001403796.6), dbSNP rs1046584167, ClinGen allele CA376718611.